The following is an entry in ClinVar:

NM_003803.4(MYOM1):c.4687C>G (p.Gln1563Glu)

Gene: MYOM1 (myomesin 1; minus strand). Cytogenetic location: 18p11.31.
Variant type: single nucleotide variant.
Coding change: c.4687C>G on transcript NM_003803.4 (MANE Select); coding-DNA position 4687, C replaced by G.
Protein change: p.Gln1563Glu; replaces glutamine 1563 with glutamic acid.
Molecular consequence: missense variant.
Genome position (GRCh38, 1-based): chr18:3,075,475, G>C on the plus strand (C>G on the coding strand, the complement: MYOM1 is on the minus strand). VCF-style: chr18-3075475-G-C. GRCh37 (hg19) VCF-style: chr18-3075473-G-C.
Other names: c.4687C>G (NM_003803.3); c.4399C>G, p.Gln1467Glu (NM_019856.2); short protein forms Q1467E, Q1563E.
Identifiers: ClinVar variation 1002520 (VCV001002520.9), dbSNP rs772631678, ClinGen allele CA8873814.
Genomic context (GRCh38, chr18:3,075,475, plus strand): 5'-CAGGAGTACTTGTGAAAAGTAAAAAAAAAGTTTACTTACTTTTCTCGGCAATGGCAGCTT[G>C]TCTGTGGTTGAGAGAAACGAACAAACAGACGAAGAATTTTGTGTTAGTGTTACTTCAAAG-3'
Protein context (NP_003794.3, residues 1553-1573): EAYAEFQRLK[Gln1563Glu]AAIAEKNRAR

ClinVar aggregate classification (germline): Uncertain significance. Review status: criteria provided, multiple submitters, no conflicts (2 of 4 stars). 2 submissions from 2 submitters: Uncertain significance (2). Last evaluated 2023-10-14.

Conditions:
Hypertrophic cardiomyopathy. Also called: HYPERTROPHIC MYOCARDIOPATHY. Identifiers: Orphanet 217569, MedGen C0007194, MeSH D002312, MONDO:0005045, HP:0001639.

Allele frequency attached by ClinVar (database versions not stated): ExAC 0.00001; gnomAD 0.00001 and 0.00002; gnomAD exomes 0.00002; TOPMed 0.00002.
gnomAD v4.1: 24 of 1,604,310 alleles (0.0015%); highest among the groups gnomAD compares: Non-Finnish European, 0.002%; no homozygotes.

Submissions (2):

Ambry Genetics
Classification: Uncertain significance. Last evaluated: 2023-10-14. Review status: criteria provided, single submitter. Criteria: Ambry Variant Classification Scheme 2023. Collection method: clinical testing. Allele origin: germline.

Labcorp Genetics (formerly Invitae), Labcorp
Classification: Uncertain significance for Hypertrophic cardiomyopathy. Last evaluated: 2022-07-11. Review status: criteria provided, single submitter. Criteria: Invitae Variant Classification Sherloc (09022015). Collection method: clinical testing. Allele origin: germline.
Comment: This sequence change replaces glutamine, which is neutral and polar, with glutamic acid, which is acidic and polar, at codon 1563 of the MYOM1 protein (p.Gln1563Glu). This variant is present in population databases (rs772631678, gnomAD 0.003%). This variant has not been reported in the literature in individuals affected with MYOM1-related conditions. ClinVar contains an entry for this variant (Variation ID: 1002520). Algorithms developed to predict the effect of missense changes on protein structure and function (SIFT, PolyPhen-2, Align-GVGD) all suggest that this variant is likely to be tolerated. In summary, the available evidence is currently insufficient to determine the role of this variant in disease. Therefore, it has been classified as a Variant of Uncertain Significance. Algorithms developed to predict the effect of sequence changes on RNA splicing suggest that this variant may create or strengthen a splice site.